The following is an entry in ClinVar:

ClinVar aggregate classification (germline): Conflicting classifications of pathogenicity. Review status: criteria provided, conflicting classifications (1 of 4 stars). 3 submissions from 3 submitters: Uncertain significance (2); Likely benign (1). Last evaluated 2025-09-18.

Conditions:
Left ventricular noncompaction 8 (LVNC8). Identifiers: Orphanet 154, Orphanet 54260, MedGen C3809288, MONDO:0014152, OMIM 615373.

Allele frequency attached by ClinVar (database versions not stated): ExAC 0.00004; gnomAD 0.00004 and 0.00005; gnomAD exomes 0.00006 and 0.00007; TOPMed 0.00007.
gnomAD v4.1: 106 of 1,561,474 alleles (0.0068%); highest among the groups gnomAD compares: Non-Finnish European, 0.0085%; no homozygotes.

Submissions (3):

Labcorp Genetics (formerly Invitae), Labcorp
Classification: Uncertain significance for Left ventricular noncompaction 8. Last evaluated: 2025-09-18. Review status: criteria provided, single submitter. Criteria: Invitae Variant Classification Sherloc (09022015). Collection method: clinical testing. Allele origin: germline.
Comment: This sequence change replaces alanine, which is neutral and non-polar, with valine, which is neutral and non-polar, at codon 654 of the PRDM16 protein (p.Ala654Val). This variant is present in population databases (rs771684634, gnomAD 0.01%). This variant has not been reported in the literature in individuals affected with PRDM16-related conditions. ClinVar contains an entry for this variant (Variation ID: 452614). An algorithm developed to predict the effect of missense changes on protein structure and function outputs the following: PolyPhen-2: "Benign". The valine amino acid residue is found in multiple mammalian species, which suggests that this missense change does not adversely affect protein function. In summary, the available evidence is currently insufficient to determine the role of this variant in disease. Therefore, it has been classified as a Variant of Uncertain Significance.

GeneDx
Classification: Uncertain significance. Last evaluated: 2024-12-17. Review status: criteria provided, single submitter. Criteria: GeneDx Variant Classification Process June 2021. Collection method: clinical testing. Allele origin: germline. Affected: yes.
Comment: In silico analysis indicates that this missense variant does not alter protein structure/function; Has not been previously published as pathogenic or benign to our knowledge

Blueprint Genetics
Classification: Likely benign. Last evaluated: 2024-01-30. Review status: criteria provided, single submitter. Criteria: ACMG Guidelines, 2015. Collection method: clinical testing. Allele origin: germline.

NM_022114.4(PRDM16):c.1961C>T (p.Ala654Val)

Gene: PRDM16 (PR/SET domain 16; plus strand). Cytogenetic location: 1p36.32.
Variant type: single nucleotide variant.
Coding change: c.1961C>T on transcript NM_022114.4 (MANE Select); coding-DNA position 1961, C replaced by T.
Protein change: p.Ala654Val; replaces alanine 654 with valine.
Molecular consequence: missense variant.
Genome position (GRCh38, 1-based): chr1:3,412,158, C>T. VCF-style: chr1-3412158-C-T. GRCh37 (hg19) VCF-style: chr1-3328722-C-T.
Other names: c.1961C>T, p.Ala654Val (NM_199454.3); short protein forms A654V.
Identifiers: ClinVar variation 452614 (VCV000452614.12), dbSNP rs771684634, ClinGen allele CA544346.
Genomic context (GRCh38, chr1:3,412,158, plus strand): 5'-ACAAGGACAAGGGCAAGGGCAAGTCCGCCGAGGGCCAGCCCAAGTTTGGGGGCGGCTTGG[C>T]GCCCCCGGGGGCCCCGAACAGCGTGGCCGAGGTGCCTGTCTTCTATTCCCAGCACTCATT-3'
Protein context (NP_071397.3, residues 644-664): EGQPKFGGGL[Ala654Val]PPGAPNSVAE